The following is an entry in ClinVar:

NM_001267550.2(TTN):c.36956C>T (p.Thr12319Ile)

Gene: TTN (titin; minus strand). Cytogenetic location: 2q31.2.
Variant type: single nucleotide variant.
Coding change: c.36956C>T on transcript NM_001267550.2 (MANE Select); coding-DNA position 36956, C replaced by T.
Protein change: p.Thr12319Ile; replaces threonine 12319 with isoleucine.
Molecular consequence: missense variant. On other transcripts: intron variant (5).
Genome position (GRCh38, 1-based): chr2:178,662,535, G>A on the plus strand (C>T on the coding strand, the complement: TTN is on the minus strand). VCF-style: chr2-178662535-G-A. GRCh37 (hg19) VCF-style: chr2-179527262-G-A.
Other names: c.13283-20218C>T (NM_003319.4); c.13859-20218C>T (NM_133437.4); c.13658-20218C>T (NM_133432.3); c.31573+431C>T (NM_133378.4); c.34354+431C>T (NM_001256850.1); short protein forms T12319I.
Identifiers: ClinVar variation 4988016 (VCV004988016.1).

ClinVar aggregate classification (germline): Uncertain significance (1 of 4 stars; one submission).

Conditions:
TTN-related disorder. Also called: TTN-related disorders; TTN-related condition; TTN-related disease.

Submission:

PreventionGenetics, part of Exact Sciences
Classification: Uncertain significance for TTN-related condition. Last evaluated: 2025-05-07. Review status: criteria provided, single submitter. Criteria: ACMG Guidelines, 2015. Collection method: clinical testing. Allele origin: germline.
Comment: The TTN c.36956C>T variant is predicted to result in the amino acid substitution p.Thr12319Ile. To our knowledge, this variant has not been reported in the literature. This variant is reported in 0.011% of alleles in individuals of European (Non-Finnish) descent in gnomAD. At this time, the clinical significance of this variant is uncertain due to the absence of conclusive functional and genetic evidence.